The following is an entry in ClinVar:

NM_023067.4(FOXL2):c.5T>C (p.Met2Thr)

Gene: FOXL2 (forkhead box L2; minus strand). Cytogenetic location: 3q22.3.
Variant type: single nucleotide variant.
Coding change: c.5T>C on transcript NM_023067.4 (MANE Select); coding-DNA position 5, T replaced by C.
Protein change: p.Met2Thr; replaces methionine 2 with threonine.
Molecular consequence: missense variant.
Genome position (GRCh38, 1-based): chr3:138,946,718, A>G on the plus strand (T>C on the coding strand, the complement: FOXL2 is on the minus strand). VCF-style: chr3-138946718-A-G. GRCh37 (hg19) VCF-style: chr3-138665560-A-G.
Other names: short protein forms M2T.
Identifiers: ClinVar variation 2862138 (VCV002862138.3), dbSNP rs1935986388, ClinGen allele CA354708546.
Genomic context (GRCh38, chr3:138,946,718, plus strand): 5'-CGACCGGTCTCTGGGGCCAGCAGGGCCCCCGCCGCGTCCTCGGGCTCGGGGTAGCTGGCC[A>G]TCATGACAAAGCCGGCGCGCCGCGGCCGGGCCGCCTCTGCTCTCCGCTCCAGGCGCTGGC-3'
Protein context (NP_075555.1, residues 1-12): M[Met2Thr]ASYPEPEDAA

ClinVar aggregate classification (germline): Uncertain significance (1 of 4 stars; one submission).

Allele frequency attached by ClinVar (database versions not stated): TOPMed below 0.00001.

Submission:

Labcorp Genetics (formerly Invitae), Labcorp
Classification: Uncertain significance. Last evaluated: 2023-05-05. Review status: criteria provided, single submitter. Criteria: Invitae Variant Classification Sherloc (09022015). Collection method: clinical testing. Allele origin: germline.
Comment: This variant has not been reported in the literature in individuals affected with FOXL2-related conditions. In summary, the available evidence is currently insufficient to determine the role of this variant in disease. Therefore, it has been classified as a Variant of Uncertain Significance. Experimental studies and prediction algorithms are not available or were not evaluated, and the functional significance of this variant is currently unknown. This variant is not present in population databases (gnomAD no frequency). This sequence change replaces methionine, which is neutral and non-polar, with threonine, which is neutral and polar, at codon 2 of the FOXL2 protein (p.Met2Thr).